The following is an entry in ClinVar:

NM_000135.4(FANCA):c.2704G>C (p.Asp902His)

Gene: FANCA (FA complementation group A; minus strand). Cytogenetic location: 16q24.3.
Variant type: single nucleotide variant.
Coding change: c.2704G>C on transcript NM_000135.4 (MANE Select); coding-DNA position 2704, G replaced by C.
Protein change: p.Asp902His; replaces aspartic acid 902 with histidine.
Molecular consequence: missense variant.
Genome position (GRCh38, 1-based): chr16:89,764,964, C>G on the plus strand (G>C on the coding strand, the complement: FANCA is on the minus strand). VCF-style: chr16-89764964-C-G. GRCh37 (hg19) VCF-style: chr16-89831372-C-G.
Other names: c.2704G>C, p.Asp902His (NM_001286167.3); short protein forms D902H.
Identifiers: ClinVar variation 1014233 (VCV001014233.3), dbSNP rs1009521389, ClinGen allele CA286555417.

ClinVar aggregate classification (germline): Uncertain significance. Review status: criteria provided, multiple submitters, no conflicts (2 of 4 stars). 2 submissions from 2 submitters: Uncertain significance (2). Last evaluated 2021-09-23.

Conditions:
Fanconi anemia (FA). Also called: Fanconi's anemia. Identifiers: Orphanet 84, MedGen C0015625, MeSH D005199, MONDO:0019391.
Fanconi anemia complementation group A (FANCA). Also called: Fanconi anemia, group A; FANCA-Related Fanconi Anemia. Identifiers: Orphanet 84, MedGen C3469521, MONDO:0009215, OMIM 227650.

Allele frequency attached by ClinVar (database versions not stated): gnomAD 0.00001 and 0.00002; gnomAD exomes 0.00001; TOPMed 0.00003.
gnomAD v4.1: 14 of 1,614,238 alleles (0.00087%); highest among the groups gnomAD compares: African/African-American, 0.0093%; 2 homozygotes.

Submissions (2):

Fulgent Genetics
Classification: Uncertain significance for Fanconi anemia complementation group A. Last evaluated: 2021-09-23. Review status: criteria provided, single submitter. Criteria: ACMG Guidelines, 2015. Collection method: clinical testing. Allele origin: unknown.

Labcorp Genetics (formerly Invitae), Labcorp
Classification: Uncertain significance for Fanconi anemia. Last evaluated: 2021-08-24. Review status: criteria provided, single submitter. Criteria: Invitae Variant Classification Sherloc (09022015). Collection method: clinical testing. Allele origin: germline.
Comment: This sequence change replaces aspartic acid with histidine at codon 902 of the FANCA protein (p.Asp902His). The aspartic acid residue is moderately conserved and there is a moderate physicochemical difference between aspartic acid and histidine. This variant is not present in population databases (ExAC no frequency). This variant has not been reported in the literature in individuals affected with FANCA-related conditions. Algorithms developed to predict the effect of missense changes on protein structure and function are either unavailable or do not agree on the potential impact of this missense change (SIFT: "Deleterious"; PolyPhen-2: "Possibly Damaging"; Align-GVGD: "Class C0"). In summary, the available evidence is currently insufficient to determine the role of this variant in disease. Therefore, it has been classified as a Variant of Uncertain Significance.